The following is an entry in ClinVar:

ClinVar aggregate classification (germline): Uncertain significance. Review status: criteria provided, multiple submitters, no conflicts (2 of 4 stars). 2 submissions from 2 submitters: Uncertain significance (2). Last evaluated 2025-06-01.

Conditions:
Bethlem myopathy 1A. Also called: Bethlem myopathy 1; Bethlem Muscular Dystrophy; MYOPATHY, BENIGN CONGENITAL, WITH CONTRACTURES. Identifiers: Orphanet 610, MedGen CN029274, MONDO:0024530, OMIM 158810.

Allele frequency attached by ClinVar (database versions not stated): gnomAD exomes below 0.00001; gnomAD 0.00001.
gnomAD v4.1: 4 of 1,614,066 alleles (0.00025%); highest among the groups gnomAD compares: Admixed American, 0.0033%; no homozygotes.

Submissions (2):

CeGaT Center for Human Genetics Tuebingen
Classification: Uncertain significance. Last evaluated: 2025-06-01. Review status: criteria provided, single submitter. Criteria: CeGaT Center For Human Genetics Tuebingen Variant Classification Criteria Version 2. Collection method: clinical testing. Allele origin: germline. Affected: yes. Observed: 1 variant allele.
Comment: COL6A3: PM2, BP4

Labcorp Genetics (formerly Invitae), Labcorp
Classification: Uncertain significance for Bethlem myopathy 1A. Last evaluated: 2025-04-26. Review status: criteria provided, single submitter. Criteria: Invitae Variant Classification Sherloc (09022015). Collection method: clinical testing. Allele origin: germline.
Comment: This sequence change replaces asparagine, which is neutral and polar, with aspartic acid, which is acidic and polar, at codon 108 of the COL6A3 protein (p.Asn108Asp). This variant is not present in population databases (gnomAD no frequency). This variant has not been reported in the literature in individuals affected with COL6A3-related conditions. ClinVar contains an entry for this variant (Variation ID: 1040170). Invitae Evidence Modeling of protein sequence and biophysical properties (such as structural, functional, and spatial information, amino acid conservation, physicochemical variation, residue mobility, and thermodynamic stability) indicates that this missense variant is not expected to disrupt COL6A3 protein function with a negative predictive value of 95%. In summary, the available evidence is currently insufficient to determine the role of this variant in disease. Therefore, it has been classified as a Variant of Uncertain Significance.

NM_004369.4(COL6A3):c.322A>G (p.Asn108Asp)

Gene: COL6A3 (collagen type VI alpha 3 chain; minus strand). Cytogenetic location: 2q37.3.
Variant type: single nucleotide variant.
Coding change: c.322A>G on transcript NM_004369.4 (MANE Select); coding-DNA position 322, A replaced by G.
Protein change: p.Asn108Asp; replaces asparagine 108 with aspartic acid.
Molecular consequence: missense variant. On other transcripts: intron variant (4).
Genome position (GRCh38, 1-based): chr2:237,394,974, T>C on the plus strand (A>G on the coding strand, the complement: COL6A3 is on the minus strand). VCF-style: chr2-237394974-T-C. GRCh37 (hg19) VCF-style: chr2-238303617-T-C.
Other names: c.91+1753A>G (NM_057166.5, NM_057167.4, NM_057164.5 and 1 more transcripts); short protein forms N108D.
Identifiers: ClinVar variation 1040170 (VCV001040170.15), dbSNP rs2078395425, ClinGen allele CA351227536.